The following is an entry in ClinVar:

ClinVar aggregate classification (germline): Pathogenic/Likely pathogenic. Review status: criteria provided, multiple submitters, no conflicts (2 of 4 stars). 2 submissions from 2 submitters: Pathogenic (1); Likely pathogenic (1). Last evaluated 2023-05-01.

Conditions:
Thrombophilia due to protein C deficiency, autosomal dominant. Also called: PROC DEFICIENCY, AUTOSOMAL DOMINANT; PROTEIN C DEFICIENCY, AUTOSOMAL DOMINANT. Identifiers: Orphanet 745, MedGen C2674321, MONDO:0008316, OMIM 176860. Disease mechanism: loss of function.

Allele frequency attached by ClinVar (database versions not stated): TOPMed below 0.00001; gnomAD 0.00001.
gnomAD v4.1: 1 of 1,550,234 alleles (0.000065%); highest among the groups gnomAD compares: Non-Finnish European, 0.000087%; no homozygotes.

Submissions (2):

CeGaT Center for Human Genetics Tuebingen
Classification: Likely pathogenic. Last evaluated: 2023-05-01. Review status: criteria provided, single submitter. Criteria: CeGaT Center For Human Genetics Tuebingen Variant Classification Criteria Version 2. Collection method: clinical testing. Allele origin: germline. Affected: yes. Observed: 1 variant allele.
Comment: PROC: PM1, PM2, PS4:Moderate, PP1, PP4

MVZ Martinsried, Medicover Genetics
Classification: Pathogenic for Thrombophilia due to protein C deficiency, autosomal dominant. Last evaluated: 2021-02-23. Review status: criteria provided, single submitter. Criteria: ACGS Guidelines, 2020. Collection method: clinical testing. Allele origin: unknown. Affected: yes.

NM_000312.4(PROC):c.479G>C (p.Cys160Ser)

Gene: PROC (protein C, inactivator of coagulation factors Va and VIIIa; plus strand). Cytogenetic location: 2q14.3.
Variant type: single nucleotide variant.
Coding change: c.479G>C on transcript NM_000312.4 (MANE Select); coding-DNA position 479, G replaced by C.
Protein change: p.Cys160Ser; replaces cysteine 160 with serine.
Molecular consequence: missense variant.
Genome position (GRCh38, 1-based): chr2:127,423,352, G>C. VCF-style: chr2-127423352-G-C. GRCh37 (hg19) VCF-style: chr2-128180928-G-C.
Other names: c.662G>C, p.Cys221Ser (NM_001375602.1); c.644G>C, p.Cys215Ser (NM_001375603.1); c.542G>C, p.Cys181Ser (NM_001375604.1); c.581G>C, p.Cys194Ser (NM_001375605.1); c.647G>C, p.Cys216Ser (NM_001375606.1); c.665G>C, p.Cys222Ser (NM_001375607.1); c.422G>C, p.Cys141Ser (NM_001375608.1); c.455G>C, p.Cys152Ser (NM_001375609.1); and 2 more; short protein forms C141S, C152S, C158S, C160S, C181S, C194S, C215S, C216S.
Identifiers: ClinVar variation 1048663 (VCV001048663.28), dbSNP rs1450037999, ClinGen allele CA348400028.